The following is an entry in ClinVar:

ClinVar aggregate classification (germline): Likely pathogenic. Review status: criteria provided, multiple submitters, no conflicts (2 of 4 stars). 2 submissions from 2 submitters: Likely pathogenic (2). Last evaluated 2025-08-15.

Conditions:
Autosomal recessive Alport syndrome (ATS2). Also called: Alport syndrome type 2; COL4A3-Related Nephropathy; COL4A4 Alport Syndrome and Thin Basement Membrane Nephropathy; ALPORT SYNDROME 2, AUTOSOMAL RECESSIVE. Identifiers: Orphanet 63, Orphanet 88919, MedGen C4746745, MONDO:0008762, OMIM 203780.
Hematuria, benign familial, 1 (BFH1). Also called: THIN MEMBRANE NEPHROPATHY. Identifiers: MedGen CN376803, MONDO:0007709, OMIM 141200.

Submissions (2):

Mayo Clinic Laboratories, Mayo Clinic
Classification: Likely pathogenic. Last evaluated: 2025-08-15. Review status: criteria provided, single submitter. Criteria: ACMG Guidelines, 2015. Collection method: clinical testing. Allele origin: germline. Observed: 1 variant allele.
Comment: PM2_supporting, PVS1

Fulgent Genetics
Classification: Likely pathogenic for Hematuria, benign familial, 1; Autosomal recessive Alport syndrome. Last evaluated: 2024-06-05. Review status: criteria provided, single submitter. Criteria: ACMG Guidelines, 2015. Collection method: clinical testing. Allele origin: germline.

NM_000092.5(COL4A4):c.2644_2647delinsTCCAGGAGGCCT (p.Gly882fs)

Gene: COL4A4 (collagen type IV alpha 4 chain; minus strand). Cytogenetic location: 2q36.3.
Variant type: Indel.
Coding change: c.2644_2647delinsTCCAGGAGGCCT on transcript NM_000092.5 (MANE Select); coding-DNA positions 2644 to 2647, GGTC replaced by TCCAGGAGGCCT.
Protein change: p.Gly882fs; shifts the reading frame from glycine 882.
Molecular consequence: frameshift variant.
Genome position (GRCh38, 1-based): chr2:227,056,014-227,056,017, GACC replaced by AGGCCTCCTGGA on the plus strand (GGTC replaced by TCCAGGAGGCCT on the coding strand, the reverse complement: COL4A4 is on the minus strand). VCF-style: chr2-227056014-GACC-AGGCCTCCTGGA. GRCh37 (hg19) VCF-style: chr2-227920730-GACC-AGGCCTCCTGGA.
Other names: p.Gly882Serfs*71; short protein forms G882fs.
Identifiers: ClinVar variation 3585827 (VCV003585827.2).